The following is an entry in ClinVar:

ClinVar aggregate classification (germline): Benign/Likely benign. Review status: criteria provided, multiple submitters, no conflicts (2 of 4 stars). 4 submissions from 4 submitters: Benign (1); Likely benign (3). Last evaluated 2026-07-01.

Allele frequency attached by ClinVar (database versions not stated): ExAC 0.00101; 1000 Genomes Project 30x 0.00156; 1000 Genomes Project 0.00160; ESP Exome Variant Server 0.00226.
gnomAD v4.1: 474 of 1,548,066 alleles (0.031%); highest among the groups gnomAD compares: African/African-American, 0.49%; 1 homozygote.

Submissions (4):

CeGaT Center for Human Genetics Tuebingen
Classification: Likely benign. Last evaluated: 2026-07-01. Review status: criteria provided, single submitter. Criteria: CeGaT Center For Human Genetics Tuebingen Variant Classification Criteria Version 2. Collection method: clinical testing. Allele origin: germline. Affected: yes. Observed: 1 variant allele.
Comment: DYRK1B: BP4, BP7

Labcorp Genetics (formerly Invitae), Labcorp
Classification: Benign. Last evaluated: 2026-01-14. Review status: criteria provided, single submitter. Criteria: Invitae Variant Classification Sherloc (09022015). Collection method: clinical testing. Allele origin: germline.

Genetic Services Laboratory, University of Chicago
Classification: Likely benign. Last evaluated: 2021-07-22. Review status: criteria provided, single submitter. Criteria: ACMG Guidelines, 2015. Collection method: clinical testing. Allele origin: germline. Affected: no.

Breakthrough Genomics
Classification: Likely benign. Review status: criteria provided, single submitter. Criteria: ACMG Guidelines, 2015. Collection method: not provided. Allele origin: germline. Inheritance: Autosomal dominant inheritance. Affected: yes.

NM_004714.3(DYRK1B):c.60G>T (p.Thr20=)

Gene: DYRK1B (dual specificity tyrosine phosphorylation regulated kinase 1B; minus strand). Cytogenetic location: 19q13.2.
Variant type: single nucleotide variant.
Coding change: c.60G>T on transcript NM_004714.3 (MANE Select); coding-DNA position 60, G replaced by T.
Protein change: p.Thr20=; no amino-acid change (threonine 20 retained).
Molecular consequence: synonymous variant.
Genome position (GRCh38, 1-based): chr19:39,831,808, C>A on the plus strand (G>T on the coding strand, the complement: DYRK1B is on the minus strand). VCF-style: chr19-39831808-C-A. GRCh37 (hg19) VCF-style: chr19-40322448-C-A.
Other names: c.60G>T, p.Thr20= (NM_006483.3, NM_006484.3).
Identifiers: ClinVar variation 1338690 (VCV001338690.9), dbSNP rs142943294, ClinGen allele CA9434463.